The following is an entry in ClinVar:

NM_153766.3(KCNJ1):c.584C>T (p.Ala195Val)

Gene: KCNJ1 (potassium inwardly rectifying channel subfamily J member 1; minus strand). Cytogenetic location: 11q24.3.
Variant type: single nucleotide variant.
Coding change: c.584C>T on transcript NM_153766.3 (MANE Select); coding-DNA position 584, C replaced by T.
Protein change: p.Ala195Val; replaces alanine 195 with valine.
Molecular consequence: missense variant.
Genome position (GRCh38, 1-based): chr11:128,839,660, G>A on the plus strand (C>T on the coding strand, the complement: KCNJ1 is on the minus strand). VCF-style: chr11-128839660-G-A. GRCh37 (hg19) VCF-style: chr11-128709555-G-A.
Other names: c.641C>T, p.Ala214Val (NM_000220.6); c.584C>T, p.Ala195Val (NM_153764.3, NM_153767.4); c.635C>T, p.Ala212Val (NM_153765.3); short protein forms A195V, A212V, A214V.
Identifiers: ClinVar variation 9157 (VCV000009157.7), dbSNP rs104894246, ClinGen allele CA120154.
Genomic context (GRCh38, chr11:128,839,660, plus strand): 5'-GTGGTCTTCAGAAGCTTTCCATAAATGTGACTGCCAATAAGAAGGCTCTTCCTGAGATTA[G>A]CCACTCGGATTAGGAGGCAAAGCTTCCCTCCCCGTTTGCTGATCACTGCGTTCTTGCTGA-3'
Protein context (NP_722450.1, residues 185-205): GGKLCLLIRV[Ala195Val]NLRKSLLIGS

ClinVar aggregate classification (germline): Conflicting classifications of pathogenicity. Review status: criteria provided, conflicting classifications (1 of 4 stars). 5 submissions from 5 submitters: Pathogenic (2); Likely pathogenic (1); Uncertain significance (1). 1 of the submissions does not count toward it. Last evaluated 2026-01-14.

Conditions:
Bartter disease type 2. Also called: HYPOKALEMIC ALKALOSIS WITH HYPERCALCIURIA 2, ANTENATAL; HYPERPROSTAGLANDIN E SYNDROME 2; Bartter syndrome, type 2, antenatal. Identifiers: Orphanet 112, Orphanet 620220, MedGen C1855849, MONDO:0009424, OMIM 241200.
Bartter syndrome. Identifiers: Orphanet 112, MedGen C0004775, MONDO:0015231.

Allele frequency attached by ClinVar (database versions not stated): gnomAD exomes 0.00001 and 0.00002; TOPMed 0.00001.
gnomAD v4.1: 20 of 1,613,472 alleles (0.0012%); highest among the groups gnomAD compares: Admixed American, 0.0067%; no homozygotes.

Submissions (5):

Labcorp Genetics (formerly Invitae), Labcorp
Classification: Pathogenic. Last evaluated: 2026-01-14. Review status: criteria provided, single submitter. Criteria: Invitae Variant Classification Sherloc (09022015). Collection method: clinical testing. Allele origin: germline.
Comment: This sequence change replaces alanine, which is neutral and non-polar, with valine, which is neutral and non-polar, at codon 214 of the KCNJ1 protein (p.Ala214Val). This variant is present in population databases (rs104894246, gnomAD 0.003%). This missense change has been observed in individual(s) with Bartter syndrome (PMID: 8841184, 19096086, 22441188). In at least one individual the data is consistent with being in trans (on the opposite chromosome) from a pathogenic variant. It has also been observed to segregate with disease in related individuals. This variant is also known as p.A195V. ClinVar contains an entry for this variant (Variation ID: 9157). An algorithm developed to predict the effect of missense changes on protein structure and function outputs the following: PolyPhen-2: "Benign". The valine amino acid residue is found in multiple mammalian species, which suggests that this missense change does not adversely affect protein function. Experimental studies have shown that this missense change affects KCNJ1 function (PMID: 9580661, 12086641). For these reasons, this variant has been classified as Pathogenic.

Women's Health and Genetics/Laboratory Corporation of America, LabCorp
Classification: Pathogenic for Bartter syndrome. Last evaluated: 2025-03-17. Review status: criteria provided, single submitter. Criteria: LabCorp Variant Classification Summary - May 2015. Collection method: clinical testing. Allele origin: germline.
Comment: Variant summary: KCNJ1 c.641C>T (p.Ala214Val) results in a non-conservative amino acid change located in the Inward rectifier potassium channel C-terminal domain (IPR041647) of the encoded protein sequence. Five of five in-silico tools predict a damaging effect of the variant on protein function. The variant allele was found at a frequency of 1.6e-05 in 248834 control chromosomes. c.641C>T has been reported in the literature in multiple homozygous and compound heterozygous individuals affected with Bartter Syndrome, Type 2 (Simon_1996, Brochard_2009, Reis_2012). These data indicate that the variant is very likely to be associated with disease. At least one publication reports experimental evidence evaluating an impact on protein function. The most pronounced variant effect results in significantly change in channel activity (Schwalbe_1998). ClinVar contains an entry for this variant (Variation ID: 9157). Based on the evidence outlined above, the variant was classified as pathogenic.

Department of Pathology and Laboratory Medicine, Sinai Health System
Classification: Uncertain significance for Bartter disease type 2. Last evaluated: 2022-07-12. Review status: criteria provided, single submitter. Criteria: ACMG Guidelines, 2015. Collection method: research. Allele origin: germline.

Fulgent Genetics
Classification: Likely pathogenic for Bartter disease type 2. Last evaluated: 2022-03-14. Review status: criteria provided, single submitter. Criteria: ACMG Guidelines, 2015. Collection method: clinical testing. Allele origin: unknown.

OMIM
Classification: Pathogenic for BARTTER SYNDROME, TYPE 2, ANTENATAL. Last evaluated: 1998-06-01. Review status: no assertion criteria provided. Collection method: literature only. Allele origin: germline. Not counted in ClinVar's aggregate classification.

Literature cited by the submitters: PubMed 8841184 (cited by 3 submitters); PubMed 19096086 (cited by Labcorp Genetics (formerly Invitae), Labcorp and Women's Health and Genetics/Laboratory Corporation of America, LabCorp); PubMed 22441188 (cited by Labcorp Genetics (formerly Invitae), Labcorp and Women's Health and Genetics/Laboratory Corporation of America, LabCorp); PubMed 9580661 (cited by 3 submitters); PubMed 12086641 (cited by Labcorp Genetics (formerly Invitae), Labcorp).